The following is an entry in ClinVar:

ClinVar aggregate classification (germline): Uncertain significance (1 of 4 stars; one submission).

Allele frequency attached by ClinVar (database versions not stated): gnomAD 0.00001.
gnomAD v4.1: 9 of 1,606,256 alleles (0.00056%); highest among the groups gnomAD compares: East Asian, 0.011%; no homozygotes.

Submission:

Labcorp Genetics (formerly Invitae), Labcorp
Classification: Uncertain significance. Last evaluated: 2022-10-08. Review status: criteria provided, single submitter. Criteria: Invitae Variant Classification Sherloc (09022015). Collection method: clinical testing. Allele origin: germline.
Comment: This sequence change replaces glycine, which is neutral and non-polar, with serine, which is neutral and polar, at codon 165 of the PEPD protein (p.Gly165Ser). This variant is present in population databases (no rsID available, gnomAD 0.003%). This variant has not been reported in the literature in individuals affected with PEPD-related conditions. Advanced modeling of protein sequence and biophysical properties (such as structural, functional, and spatial information, amino acid conservation, physicochemical variation, residue mobility, and thermodynamic stability) performed at Invitae indicates that this missense variant is not expected to disrupt PEPD protein function. In summary, the available evidence is currently insufficient to determine the role of this variant in disease. Therefore, it has been classified as a Variant of Uncertain Significance.

NM_000285.4(PEPD):c.493G>A (p.Gly165Ser)

Gene: PEPD (peptidase D; minus strand). Cytogenetic location: 19q13.11.
Variant type: single nucleotide variant.
Coding change: c.493G>A on transcript NM_000285.4 (MANE Select); coding-DNA position 493, G replaced by A.
Protein change: p.Gly165Ser; replaces glycine 165 with serine.
Molecular consequence: missense variant.
Genome position (GRCh38, 1-based): chr19:33,490,006, C>T on the plus strand (G>A on the coding strand, the complement: PEPD is on the minus strand). VCF-style: chr19-33490006-C-T. GRCh37 (hg19) VCF-style: chr19-33980912-C-T.
Other names: c.493G>A, p.Gly165Ser (NM_001166056.2); c.301G>A, p.Gly101Ser (NM_001166057.2); short protein forms G165S, G101S.
Identifiers: ClinVar variation 1968993 (VCV001968993.2), dbSNP rs1185474224, ClinGen allele CA405230878.